The following is an entry in ClinVar:

ClinVar aggregate classification (germline): Likely benign. Review status: criteria provided, single submitter (1 of 4 stars). 2 submissions from 2 submitters: Likely benign (1). 1 of the submissions does not count toward it.

Conditions:
LRP4-related disorder. Also called: LRP4-related condition.

Submissions (2):

Breakthrough Genomics
Classification: Likely benign. Review status: criteria provided, single submitter. Criteria: ACMG Guidelines, 2015. Collection method: not provided. Allele origin: germline. Inheritance: Autosomal recessive inheritance. Affected: yes.

PreventionGenetics, part of Exact Sciences
Classification: Likely benign for LRP4-related condition. Last evaluated: 2019-09-05. Review status: no assertion criteria provided. Collection method: clinical testing. Allele origin: germline. Not counted in ClinVar's aggregate classification.
Comment: This variant is classified as likely benign based on ACMG/AMP sequence variant interpretation guidelines (Richards et al. 2015 PMID: 25741868, with internal and published modifications).

NM_002334.4(LRP4):c.1461C>T (p.Val487=)

Gene: LRP4 (LDL receptor related protein 4; minus strand). Cytogenetic location: 11p11.2.
Variant type: single nucleotide variant.
Coding change: c.1461C>T on transcript NM_002334.4 (MANE Select); coding-DNA position 1461, C replaced by T.
Protein change: p.Val487=; no amino-acid change (valine 487 retained).
Molecular consequence: synonymous variant.
Genome position (GRCh38, 1-based): chr11:46,894,668, G>A on the plus strand (C>T on the coding strand, the complement: LRP4 is on the minus strand). VCF-style: chr11-46894668-G-A. GRCh37 (hg19) VCF-style: chr11-46916219-G-A.
Identifiers: ClinVar variation 3052413 (VCV003052413.3), dbSNP rs2539766795, ClinGen allele CA474204951.